The following is an entry in ClinVar:

ClinVar aggregate classification (germline): Uncertain significance (1 of 4 stars; one submission).

Conditions:
Left ventricular noncompaction 1 (LVNC1). Also called: LEFT VENTRICULAR NONCOMPACTION 1 WITH OR WITHOUT CONGENITAL HEART DEFECTS. Identifiers: Orphanet 54260, MedGen C1858725, MONDO:0011403, OMIM 604169.

Allele frequency attached by ClinVar (database versions not stated): gnomAD 0.00001; TOPMed 0.00001.
gnomAD v4.1: 1 of 1,613,664 alleles (0.000062%); highest among the groups gnomAD compares: African/African-American, 0.0013%; no homozygotes.

Submission:

Labcorp Genetics (formerly Invitae), Labcorp
Classification: Uncertain significance for Left ventricular noncompaction 1. Last evaluated: 2024-05-29. Review status: criteria provided, single submitter. Criteria: Invitae Variant Classification Sherloc (09022015). Collection method: clinical testing. Allele origin: germline.
Comment: This sequence change replaces aspartic acid, which is acidic and polar, with histidine, which is basic and polar, at codon 146 of the DTNA protein (p.Asp146His). This variant is not present in population databases (gnomAD no frequency). This variant has not been reported in the literature in individuals affected with DTNA-related conditions. ClinVar contains an entry for this variant (Variation ID: 1989852). Advanced modeling of protein sequence and biophysical properties (such as structural, functional, and spatial information, amino acid conservation, physicochemical variation, residue mobility, and thermodynamic stability) has been performed at Invitae for this missense variant, however the output from this modeling did not meet the statistical confidence thresholds required to predict the impact of this variant on DTNA protein function. In summary, the available evidence is currently insufficient to determine the role of this variant in disease. Therefore, it has been classified as a Variant of Uncertain Significance.

NM_001386795.1(DTNA):c.436G>C (p.Asp146His)

Gene: DTNA (dystrobrevin alpha; plus strand). Cytogenetic location: 18q12.1.
Variant type: single nucleotide variant.
Coding change: c.436G>C on transcript NM_001386795.1 (MANE Select); coding-DNA position 436, G replaced by C.
Protein change: p.Asp146His; replaces aspartic acid 146 with histidine.
Molecular consequence: missense variant.
Genome position (GRCh38, 1-based): chr18:34,806,292, G>C. VCF-style: chr18-34806292-G-C. GRCh37 (hg19) VCF-style: chr18-32386256-G-C.
Other names: c.436G>C, p.Asp146His (NM_001128175.2, NM_001198938.2, NM_001198939.2 and 35 more transcripts); short protein forms D146H.
Identifiers: ClinVar variation 1989852 (VCV001989852.4), dbSNP rs2095359215, ClinGen allele CA402275393.